The following is an entry in ClinVar:

ClinVar aggregate classification (germline): Uncertain significance (1 of 4 stars; one submission).

Conditions:
Cardiovascular phenotype. Identifiers: MedGen CN230736.

Submission:

Ambry Genetics
Classification: Uncertain significance for Cardiovascular phenotype. Last evaluated: 2019-12-27. Review status: criteria provided, single submitter. Criteria: Ambry Variant Classification Scheme 2023. Collection method: clinical testing. Allele origin: germline.
Comment: The c.13295_13303delAAGAAGAAA variant (also known as p.K4432_E4434del) is located in coding exon 91 of the RYR2 gene. This variant results from an in-frame AAGAAGAAA deletion at nucleotide positions 13295 to 13303. This results in the deletion of three amino acids between codons 4432 and 4434. These amino acid positions are highly conserved in available vertebrate species. In addition, this alteration is predicted to be deleterious by in silico analysis (Choi Y et al. PLoS ONE. 2012; 7(10):e46688). Since supporting evidence is limited at this time, the clinical significance of this alteration remains unclear.

NM_001035.3(RYR2):c.13295_13303del (p.4429KEE[1])

Gene: RYR2 (ryanodine receptor 2; plus strand). Cytogenetic location: 1q43.
Variant type: Deletion.
Coding change: c.13295_13303del on transcript NM_001035.3 (MANE Select); coding-DNA positions 13295 to 13303, 9 bases deleted (AAGAAGAAA; older notation c.13295_13303delAAGAAGAAA).
Protein change: p.4429KEE[1].
Molecular consequence: inframe deletion.
Genome position (GRCh38, 1-based): chr1:237,786,003-237,786,011, AAGAAGAAA deleted; deleting any 9 consecutive bases within chr1:237,785,996-237,786,011 gives the same sequence; the c. name uses the placement nearest the transcript's 3' end. VCF-style (leftmost placement, unchanged base first): chr1-237785995-GGAAGAAAAA-G. GRCh37 (hg19) VCF-style: chr1-237949295-GGAAGAAAAA-G.
Identifiers: ClinVar variation 1770073 (VCV001770073.2), dbSNP rs2527820783, ClinGen allele CA2580062479.